The following is an entry in ClinVar:

NM_182961.4(SYNE1):c.11666A>G (p.Asp3889Gly)

Gene: SYNE1 (spectrin repeat containing nuclear envelope protein 1; minus strand). Cytogenetic location: 6q25.2.
Variant type: single nucleotide variant.
Coding change: c.11666A>G on transcript NM_182961.4 (MANE Select); coding-DNA position 11666, A replaced by G.
Protein change: p.Asp3889Gly; replaces aspartic acid 3889 with glycine.
Molecular consequence: missense variant.
Genome position (GRCh38, 1-based): chr6:152,350,685, T>C on the plus strand (A>G on the coding strand, the complement: SYNE1 is on the minus strand). VCF-style: chr6-152350685-T-C. GRCh37 (hg19) VCF-style: chr6-152671820-T-C.
Other names: c.11621A>G, p.Asp3874Gly (NM_033071.5); short protein forms D3874G, D3889G.
Identifiers: ClinVar variation 2130056 (VCV002130056.4), dbSNP rs2096726238, ClinGen allele CA366118245.
Genomic context (GRCh38, chr6:152,350,685, plus strand): 5'-ATGCTGCACAGGTCCTGGTAATCACTTTGAAGTTGATCTATTTTGTCCTTTAAAGTGACG[T>C]CCTGCACCAGTTCCAAAAGAGCTTCACCCTTCTCTCTCACTGACTTTACTGATGGTTCAT-3'
Protein context (NP_892006.3, residues 3879-3899): KGEALLELVQ[Asp3889Gly]VTLKDKIDQL

ClinVar aggregate classification (germline): Uncertain significance (1 of 4 stars; one submission).

Conditions:
Autosomal recessive ataxia, Beauce type. Also called: SYNE1-Related Autosomal Recessive Cerebellar Ataxia; Spinocerebellar ataxia, autosomal recessive 8; ATAXIA, RECESSIVE, OF BEAUCE; SYNE1 Deficiency. Identifiers: Orphanet 88644, MedGen C1853116, MONDO:0012549, OMIM 610743.
Emery-Dreifuss muscular dystrophy 4, autosomal dominant (EDMD4). Also called: EMERY-DREIFUSS MUSCULAR DYSTROPHY 4 WITH VARIABLE FEATURES. Identifiers: Orphanet 261, MedGen C2751807, MONDO:0013071, OMIM 612998.

Allele frequency attached by ClinVar (database versions not stated): gnomAD exomes below 0.00001.
gnomAD v4.1: 5 of 1,614,094 alleles (0.00031%); highest among the groups gnomAD compares: Non-Finnish European, 0.00034%; no homozygotes.

Submission:

Labcorp Genetics (formerly Invitae), Labcorp
Classification: Uncertain significance for Emery-Dreifuss muscular dystrophy 4, autosomal dominant; Autosomal recessive ataxia, Beauce type. Last evaluated: 2022-04-24. Review status: criteria provided, single submitter. Criteria: Invitae Variant Classification Sherloc (09022015). Collection method: clinical testing. Allele origin: germline.
Comment: This sequence change replaces aspartic acid, which is acidic and polar, with glycine, which is neutral and non-polar, at codon 3874 of the SYNE1 protein (p.Asp3874Gly). This variant is not present in population databases (gnomAD no frequency). This variant has not been reported in the literature in individuals affected with SYNE1-related conditions. Algorithms developed to predict the effect of missense changes on protein structure and function (SIFT, PolyPhen-2, Align-GVGD) all suggest that this variant is likely to be disruptive. In summary, the available evidence is currently insufficient to determine the role of this variant in disease. Therefore, it has been classified as a Variant of Uncertain Significance.